The following is an entry in ClinVar:

NM_004070.4(CLCNKA):c.1227+10del

Genes: CLCNKA (chloride voltage-gated channel Ka; plus strand), LOC106501712 (CLCNKA recombination region; plus strand). Cytogenetic location: 1p36.13.
Variant type: Deletion.
Coding change: c.1227+10del on transcript NM_004070.4 (MANE Select); 10 bases into the intron after coding-DNA position 1227, one base deleted (C; older notation c.1227+10delC).
Molecular consequence: intron variant.
Genome position (GRCh38, 1-based): chr1:16,029,309, C deleted; the last of 5 consecutive C bases (chr1:16,029,305-16,029,309); deleting any one gives the same sequence. VCF-style (leftmost placement, unchanged base first): chr1-16029304-GC-G. GRCh37 (hg19) VCF-style: chr1-16355799-GC-G.
Other names: p.?; c.1227+10del (NM_001042704.2); c.1098+10del (NM_001257139.2).
Identifiers: ClinVar variation 447083 (VCV000447083.2), dbSNP rs58210748, ClinGen allele CA622643.

ClinVar aggregate classification (germline): Benign. Review status: criteria provided, multiple submitters, no conflicts (2 of 4 stars). 2 submissions from 2 submitters: Benign (2). Last evaluated 2025-09-05.

Submissions (2):

Mayo Clinic Laboratories, Mayo Clinic
Classification: Benign. Last evaluated: 2025-09-05. Review status: criteria provided, single submitter. Criteria: ACMG Guidelines, 2015. Collection method: clinical testing. Allele origin: germline. Observed: 1 variant allele.
Comment: BS1, BS2, BP4, BP7

Athena Diagnostics
Classification: Benign. Last evaluated: 2016-12-20. Review status: criteria provided, single submitter. Criteria: Athena Diagnostics Criteria. Collection method: clinical testing. Allele origin: germline.